The following is an entry in ClinVar:

ClinVar aggregate classification (germline): Uncertain significance (1 of 4 stars; one submission).

Submission:

Women's Health and Genetics/Laboratory Corporation of America, LabCorp
Classification: Uncertain significance. Last evaluated: 2024-02-23. Review status: criteria provided, single submitter. Criteria: LabCorp Variant Classification Summary - May 2015. Collection method: clinical testing. Allele origin: germline.
Comment: Variant summary: NBEAL2 c.4958_4975dup18 (p.Ala1653_Ala1658dup) results in an in-frame duplication that is predicted to duplicate six amino acids into the encoded protein. The variant allele was found at a frequency of 0.00011 in 1551646 control chromosomes, predominantly at a frequency of 0.002 within the East Asian subpopulation in the gnomAD database (v4.0.0). This frequency does not allow any conclusion about variant significance. To our knowledge, no occurrence of c.4958_4975dup18 in individuals affected with Gray Platelet Syndrome and no experimental evidence demonstrating its impact on protein function have been reported. No submitters have cited clinical-significance assessments for this variant to ClinVar. Based on the evidence outlined above, the variant was classified as uncertain significance.

NM_015175.3(NBEAL2):c.4949CAGCTGCAG[5] (p.Ala1658_Glu1659insAlaAlaAlaAlaAlaAla)

Gene: NBEAL2 (neurobeachin like 2; plus strand). Cytogenetic location: 3p21.31.
Variant type: Microsatellite.
Coding change: c.4949CAGCTGCAG[5] on transcript NM_015175.3 (MANE Select); five copies in a row of the 9-base unit CAGCTGCAG starting at c.4949; the reference has three copies in a row; two copies, 18 bases duplicated.
Protein change: p.Ala1658_Glu1659insAlaAlaAlaAlaAlaAla.
Molecular consequence: inframe insertion.
Genome position (GRCh38, 1-based): chr3:47,002,095-47,002,112, CAGCTGCAGCAGCTGCAG duplicated; duplicating any 18 consecutive bases within chr3:47,002,085-47,002,112 gives the same sequence; the position shown is the placement nearest the transcript's 3' end. VCF-style (leftmost placement, unchanged base first): chr3-47002084-T-TGCAGCTGCAGCAGCTGCA. GRCh37 (hg19) VCF-style: chr3-47043574-T-TGCAGCTGCAGCAGCTGCA.
Other names: c.4847CAGCTGCAG[5], p.Ala1624_Glu1625insAlaAlaAlaAlaAlaAla (NM_001365116.2); c.4958_4975dup18 (NM_015175.3).
Identifiers: ClinVar variation 3069094 (VCV003069094.2), dbSNP rs535036383, ClinGen allele CA2361399.